The following is an entry in ClinVar:

NM_004656.4(BAP1):c.1584dup (p.Lys529fs)

Gene: BAP1 (BRCA1 associated deubiquitinase 1; minus strand). Cytogenetic location: 3p21.1.
Variant type: Duplication.
Coding change: c.1584dup on transcript NM_004656.4 (MANE Select); coding-DNA position 1584, one base duplicated (C; older notation c.1584dupC).
Protein change: p.Lys529fs; shifts the reading frame from lysine 529.
Molecular consequence: frameshift variant.
Genome position (GRCh38, 1-based): chr3:52,403,561, G duplicated on the plus strand (C on the coding strand, the reverse complement: BAP1 is on the minus strand); the first of 2 consecutive G bases (chr3:52,403,561-52,403,562); duplicating either gives the same sequence. VCF-style (leftmost placement, unchanged base first): chr3-52403560-T-TG. GRCh37 (hg19) VCF-style: chr3-52437576-T-TG.
Other names: short protein forms K529fs.
Identifiers: ClinVar variation 939169 (VCV000939169.7), dbSNP rs1705042101, ClinGen allele CA1139658114.
Genomic context (GRCh38, chr3:52,403,560, plus strand): 5'-CACGGTTGTAGCGTATGCAGTCAACACGCAGCAGGCTGTCATCCTCTCCAAAAAGCACCT[T>TG]GGAGATGTGGGAGGTGACAGGGCTGGAGGGCCGCGTCGGGTTGGCTGAGCGGATAGGCGA-3'

ClinVar aggregate classification (germline): Pathogenic (1 of 4 stars; one submission).

Conditions:
BAP1-related tumor predisposition syndrome (TPDS1). Also called: TUMOR PREDISPOSITION SYNDROME 1; BAP1 tumor predisposition syndrome; Tumor susceptibility linked to germline BAP1 mutations; COMMON Syndrome. Identifiers: Orphanet 289539, MedGen C3280492, MONDO:0013692, OMIM 614327.

Submission:

Labcorp Genetics (formerly Invitae), Labcorp
Classification: Pathogenic for BAP1-related tumor predisposition syndrome. Last evaluated: 2019-08-06. Review status: criteria provided, single submitter. Criteria: Invitae Variant Classification Sherloc (09022015). Collection method: clinical testing. Allele origin: germline.
Comment: This sequence change creates a premature translational stop signal (p.Lys529Glnfs*8) in the BAP1 gene. It is expected to result in an absent or disrupted protein product. This variant is not present in population databases (ExAC no frequency). This variant has not been reported in the literature in individuals with BAP1-related conditions. Loss-of-function variants in BAP1 are known to be pathogenic (PMID: 21874000, 23684012). For these reasons, this variant has been classified as Pathogenic.

Literature cited by the submitters: PubMed 21874000; PubMed 23684012.